The following is an entry in ClinVar:

GRCh38/hg38 5q12.3-13.2(chr5:64932763-69495504)x1

Genes: LINC02219 (long intergenic non-protein coding RNA 2219; plus strand), RAD17 (RAD17 checkpoint clamp loader component; plus strand), SGTB (small glutamine rich tetratricopeptide repeat co-chaperone beta; minus strand), SHLD3 (shieldin complex subunit 3; plus strand), ADAMTS6 (ADAM metallopeptidase with thrombospondin type 1 motif 6; minus strand) and 113 more. Cytogenetic location: 5q12.3-13.2.
Variant type: copy number loss.
Change: copy number 1 (one copy instead of two) of chr5:64,932,763-69,495,504 (4.56 Mb, GRCh38 coordinates, 1-based), cytogenetic band 5q12.3-13.2.
Identifiers: ClinVar variation 57512 (VCV000057512.1).

ClinVar aggregate classification (germline): Pathogenic (1 of 4 stars; one submission).

Submission:

ISCA site 4
Classification: Pathogenic. Last evaluated: 2011-08-12. Review status: criteria provided, single submitter. Criteria: Kaminsky et al. (Genet Med. 2011). Collection method: clinical testing. Allele origin: maternal. Affected: yes. Observed: 1 variant allele.
Comment: Copy number variation identified through the course of routine clinical cytogenomic testing in postnatal populations. Clinical assertions have been curated as described in Kaminsky et al. 2011.